The following is an entry in ClinVar:

NM_006662.3(SRCAP):c.7127dup (p.Gly2377fs)

Gene: SRCAP (Snf2 related CREBBP activator protein; plus strand). Cytogenetic location: 16p11.2.
Variant type: Duplication.
Coding change: c.7127dup on transcript NM_006662.3 (MANE Select); coding-DNA position 7127, one base duplicated (G; older notation c.7127dupG).
Protein change: p.Gly2377fs; shifts the reading frame from glycine 2377.
Molecular consequence: frameshift variant.
Genome position (GRCh38, 1-based): chr16:30,737,167, G duplicated; the last of 2 consecutive G bases (chr16:30,737,166-30,737,167); duplicating either gives the same sequence. VCF-style (leftmost placement, unchanged base first): chr16-30737165-T-TG. GRCh37 (hg19) VCF-style: chr16-30748486-T-TG.
Other names: short protein forms G2377fs.
Identifiers: ClinVar variation 4292679 (VCV004292679.1).

ClinVar aggregate classification (germline): Likely pathogenic (1 of 4 stars; one submission).

Conditions:
Floating-Harbor syndrome (FLHS). Also called: Short stature with delayed bone age, expressive language delay, a triangular face with a prominent nose and deep-set eyes; Pelletier-Leisti syndrome; SRCAP-Related Floating-Harbor Syndrome. Identifiers: Orphanet 2044, MedGen C0729582, MONDO:0007621, OMIM 136140.

Submission:

3billion
Classification: Likely pathogenic for Floating-Harbor syndrome. Last evaluated: 2024-11-08. Review status: criteria provided, single submitter. Criteria: ACMG Guidelines, 2015. Collection method: clinical testing. Allele origin: germline. Affected: yes.
Comment: The variant is not observed in the gnomAD v4.1.0 dataset. Predicted Consequence/Location: Frameshift: predicted to result in a loss or disruption of normal protein function through protein truncation. The predicted truncated protein may be shortened by more than 10% and a dominant negative effect has been reported near truncated region. Therefore, this variant is classified as Likely pathogenic according to the recommendation of ACMG/AMP guideline.